The following is an entry in ClinVar:

ClinVar aggregate classification (germline): Uncertain significance. Review status: criteria provided, multiple submitters, no conflicts (2 of 4 stars). 2 submissions from 2 submitters: Uncertain significance (2). Last evaluated 2023-08-21.

Conditions:
Congenital disorder of glycosylation (CDG). Also called: Carbohydrate-deficient glycoprotein syndrome; Congenital disorders of glycosylation. Identifiers: Orphanet 137, MedGen C0282577, MONDO:0015286.

Allele frequency attached by ClinVar (database versions not stated): ExAC 0.00002; gnomAD exomes 0.00003; gnomAD 0.00005.
gnomAD v4.1: 57 of 1,614,092 alleles (0.0035%); highest among the groups gnomAD compares: Non-Finnish European, 0.0047%; no homozygotes.

Submissions (3):

Ambry Genetics
Classification: Uncertain significance. Last evaluated: 2023-08-21. Review status: criteria provided, single submitter. Criteria: Ambry Variant Classification Scheme 2023. Collection method: clinical testing. Allele origin: germline.

Labcorp Genetics (formerly Invitae), Labcorp
Classification: Uncertain significance for Congenital disorder of glycosylation. Last evaluated: 2023-05-20. Review status: criteria provided, single submitter. Criteria: Invitae Variant Classification Sherloc (09022015). Collection method: clinical testing. Allele origin: germline.
Comment: In summary, the available evidence is currently insufficient to determine the role of this variant in disease. Therefore, it has been classified as a Variant of Uncertain Significance. An algorithm developed to predict the effect of missense changes on protein structure and function (PolyPhen-2) suggests that this variant is likely to be disruptive. This variant has not been reported in the literature in individuals affected with RPN2-related conditions. This variant is present in population databases (rs760804350, gnomAD 0.01%). This sequence change replaces aspartic acid, which is acidic and polar, with glycine, which is neutral and non-polar, at codon 85 of the RPN2 protein (p.Asp85Gly).

Dr. Peter K. Rogan Lab, Western University
No classification provided (evidence only). Condition: Colon adenocarcinoma. Review status: no classification provided. Collection method: in vitro. Allele origin: not applicable. Functional consequence: skipped exon, retained intron. Not counted in ClinVar's aggregate classification.

NM_002951.5(RPN2):c.254A>G (p.Asp85Gly)

Gene: RPN2 (ribophorin II; plus strand). Cytogenetic location: 20q11.23.
Variant type: single nucleotide variant.
Coding change: c.254A>G on transcript NM_002951.5 (MANE Select); coding-DNA position 254, A replaced by G.
Protein change: p.Asp85Gly; replaces aspartic acid 85 with glycine.
Molecular consequence: missense variant. On other transcripts: intron variant (2).
Genome position (GRCh38, 1-based): chr20:37,198,443, A>G. VCF-style: chr20-37198443-A-G. GRCh37 (hg19) VCF-style: chr20-35826846-A-G.
Other names: c.254A>G, p.Asp85Gly (NM_001324299.2, NM_001324301.2, NM_001324302.2 and 3 more transcripts); c.208-607A>G (NM_001135771.3); c.9-5442A>G (NM_001324306.2); short protein forms D85G.
Identifiers: ClinVar variation 2599931 (VCV002599931.6), dbSNP rs760804350, ClinGen allele CA9846796.
Genomic context (GRCh38, chr20:37,198,443, plus strand): 5'-TCCCCACTGTGTAGAAAGCATGTACCTACATCAGATCTAACCTTGATCCCAGCAATGTGG[A>G]TTCCCTCTTCTACGCTGCCCAGGCCAGCCAGGCCCTCTCAGGATGTGAGGTGAGTCCGGG-3'
Protein context (NP_002942.2, residues 75-95): IRSNLDPSNV[Asp85Gly]SLFYAAQASQ